The following is an entry in ClinVar:

NM_000384.3(APOB):c.11060del (p.Phe3687fs)

Gene: APOB (apolipoprotein B; minus strand). Cytogenetic location: 2p24.1.
Variant type: Deletion.
Coding change: c.11060del on transcript NM_000384.3 (MANE Select); coding-DNA position 11060, one base deleted (T; older notation c.11060delT).
Protein change: p.Phe3687fs; shifts the reading frame from phenylalanine 3687.
Molecular consequence: frameshift variant.
Genome position (GRCh38, 1-based): chr2:21,005,808, A deleted on the plus strand (T on the coding strand, the reverse complement: APOB is on the minus strand); the first of 3 consecutive A bases (chr2:21,005,808-21,005,810); deleting any one gives the same sequence. VCF-style (leftmost placement, unchanged base first): chr2-21005807-GA-G. GRCh37 (hg19) VCF-style: chr2-21228679-GA-G.
Other names: short protein forms F3687fs.
Identifiers: ClinVar variation 2094513 (VCV002094513.4), dbSNP rs2465357914, ClinGen allele CA2580064982.

ClinVar aggregate classification (germline): Pathogenic (1 of 4 stars; one submission).

Conditions:
Hypercholesterolemia, autosomal dominant, type B (FHCL2). Also called: Familial hypercholesterolemia 2; Familial Hypercholesterolemia Type B; APOLIPOPROTEIN B-100, FAMILIAL DEFECTIVE; APOLIPOPROTEIN B-100, FAMILIAL LIGAND-DEFECTIVE; HYPERCHOLESTEROLEMIA, FAMILIAL, DUE TO LIGAND-DEFECTIVE APOLIPOPROTEIN B; Hyperlipoproteinemia Type IIb. Identifiers: MedGen C1704417, MONDO:0007751, OMIM 144010.
Familial hypobetalipoproteinemia 1. Also called: APOB-Related Familial Hypobetalipoproteinemia; Hypobetalipoproteinemia, normotriglyceridemic; Acanthocytosis with hypobetalipoproteinemia. Identifiers: MedGen C4551990, MONDO:0014252, OMIM 615558.

Submission:

Labcorp Genetics (formerly Invitae), Labcorp
Classification: Pathogenic for Familial hypobetalipoproteinemia 1; Hypercholesterolemia, autosomal dominant, type B. Last evaluated: 2022-02-08. Review status: criteria provided, single submitter. Criteria: Invitae Variant Classification Sherloc (09022015). Collection method: clinical testing. Allele origin: germline.
Comment: For these reasons, this variant has been classified as Pathogenic. This variant has not been reported in the literature in individuals affected with APOB-related conditions. This variant is not present in population databases (gnomAD no frequency). This sequence change creates a premature translational stop signal (p.Phe3687Serfs*2) in the APOB gene. It is expected to result in an absent or disrupted protein product. Loss-of-function variants in APOB are known to be pathogenic (PMID: 20032471).

Literature cited by the submitters: PubMed 20032471.